The following is an entry in ClinVar:

ClinVar aggregate classification (germline): Likely pathogenic (1 of 4 stars; one submission).

Conditions:
Cobalamin C disease. Also called: Methylmalonic aciduria with homocystinuria cblC type; methylmalonic aciduria and homocystinuria type cblC; Cobalamin-C methylmalonic acidemia and homocystinuria; Methylmalonic acidemia and homocystinuria cblC type; Methylmalonic aciduria and homocystinuria, Vitamin B12-responsive; Vitamin B12 metabolic defect with combined deficiency of methylmalonyl-CoA mutase and homocysteine:methyltetrahydrofolate methyltransferase. Identifiers: Orphanet 26, Orphanet 79282, MedGen C1848561, MONDO:0010184, OMIM 277400.

Submission:

Women's Health and Genetics/Laboratory Corporation of America, LabCorp
Classification: Likely pathogenic for Cobalamin C disease. Last evaluated: 2023-04-04. Review status: criteria provided, single submitter. Criteria: LabCorp Variant Classification Summary - May 2015. Collection method: clinical testing. Allele origin: germline.
Comment: Variant summary: MMADHC c.202delC (p.Gln68LysfsX11) results in a premature termination codon, predicted to cause a truncation of the encoded protein or absence of the protein due to nonsense mediated decay, which are commonly known mechanisms for disease. Truncations downstream of this position have been classified as pathogenic by our laboratory. The variant was absent in 251220 control chromosomes (gnomAD). To our knowledge, no occurrence of c.202delC in individuals affected with Methylmalonic Acidemia With Homocystinuria and no experimental evidence demonstrating its impact on protein function have been reported. No clinical diagnostic laboratories have submitted clinical-significance assessments for this variant to ClinVar after 2014. Based on the evidence outlined above, the variant was classified as likely pathogenic.

NM_015702.3(MMADHC):c.202del (p.Gln68fs)

Gene: MMADHC (metabolism of cobalamin associated D; minus strand). Cytogenetic location: 2q23.2.
Variant type: Deletion.
Coding change: c.202del on transcript NM_015702.3 (MANE Select); coding-DNA position 202, one base deleted (C; older notation c.202delC).
Protein change: p.Gln68fs; shifts the reading frame from glutamine 68.
Molecular consequence: frameshift variant.
Genome position (GRCh38, 1-based): chr2:149,579,601, G deleted on the plus strand (C on the coding strand, the reverse complement: MMADHC is on the minus strand). VCF-style (leftmost placement, unchanged base first): chr2-149579600-TG-T. GRCh37 (hg19) VCF-style: chr2-150436114-TG-T.
Other names: c.202delC (NM_015702.2); short protein forms Q68fs.
Identifiers: ClinVar variation 2504062 (VCV002504062.1), dbSNP rs2467645025, ClinGen allele CA2580611695.
Genomic context (GRCh38, chr2:149,579,600, plus strand): 5'-GCAGTCCCATTGAGGTGACAATCAAAACCTATGTTCCCAGGAAGCTGGAACCTCTGATCT[TG>T]AGGTCCAAAGGGTCCCATAGTTTCATCAGGCCACACTGTTCGAGAGCCTGAAGAGAAACA-3'